The following is an entry in ClinVar:

ClinVar aggregate classification (germline): Uncertain significance (1 of 4 stars; one submission).

Submission:

Labcorp Genetics (formerly Invitae), Labcorp
Classification: Uncertain significance. Last evaluated: 2022-06-13. Review status: criteria provided, single submitter. Criteria: Invitae Variant Classification Sherloc (09022015). Collection method: clinical testing. Allele origin: germline.
Comment: This sequence change replaces threonine, which is neutral and polar, with alanine, which is neutral and non-polar, at codon 768 of the ZSWIM6 protein (p.Thr768Ala). In summary, the available evidence is currently insufficient to determine the role of this variant in disease. Therefore, it has been classified as a Variant of Uncertain Significance. Algorithms developed to predict the effect of missense changes on protein structure and function are either unavailable or do not agree on the potential impact of this missense change (SIFT: "Tolerated"; PolyPhen-2: "Possibly Damaging"; Align-GVGD: "Class C0"). This variant has not been reported in the literature in individuals affected with ZSWIM6-related conditions. This variant is not present in population databases (gnomAD no frequency).

NM_020928.2(ZSWIM6):c.2302A>G (p.Thr768Ala)

Gene: ZSWIM6 (zinc finger SWIM-type containing 6; plus strand). Cytogenetic location: 5q12.1.
Variant type: single nucleotide variant.
Coding change: c.2302A>G on transcript NM_020928.2 (MANE Select); coding-DNA position 2302, A replaced by G.
Protein change: p.Thr768Ala; replaces threonine 768 with alanine.
Molecular consequence: missense variant.
Genome position (GRCh38, 1-based): chr5:61,535,540, A>G. VCF-style: chr5-61535540-A-G. GRCh37 (hg19) VCF-style: chr5-60831367-A-G.
Other names: short protein forms T768A.
Identifiers: ClinVar variation 1514561 (VCV001514561.8), dbSNP rs1358715935, ClinGen allele CA359945048.